The following is an entry in ClinVar:

NM_000051.4(ATM):c.5378del (p.Asn1793fs)

Gene: ATM (ATM serine/threonine kinase; plus strand). Cytogenetic location: 11q22.3.
Variant type: Deletion.
Coding change: c.5378del on transcript NM_000051.4 (MANE Select); coding-DNA position 5378, one base deleted (A; older notation c.5378delA).
Protein change: p.Asn1793fs; shifts the reading frame from asparagine 1793.
Molecular consequence: frameshift variant.
Genome position (GRCh38, 1-based): chr11:108,302,911, A deleted; the last of 3 consecutive A bases (chr11:108,302,909-108,302,911); deleting any one gives the same sequence. VCF-style (leftmost placement, unchanged base first): chr11-108302908-TA-T. GRCh37 (hg19) VCF-style: chr11-108173635-TA-T.
Other names: c.5378del, p.Asn1793fs (NM_001351834.2); short protein forms N1793fs.
Identifiers: ClinVar variation 4168750 (VCV004168750.1).

ClinVar aggregate classification (germline): Pathogenic (1 of 4 stars; one submission).

Conditions:
Hereditary cancer-predisposing syndrome. Also called: Neoplastic Syndromes, Hereditary; Tumor predisposition; Hereditary Cancer Syndrome; Hereditary neoplastic syndrome. Identifiers: Orphanet 140162, MedGen C0027672, MeSH D009386, MONDO:0015356.

Submission:

Ambry Genetics
Classification: Pathogenic for Hereditary cancer-predisposing syndrome. Last evaluated: 2025-06-20. Review status: criteria provided, single submitter. Criteria: Ambry Variant Classification Scheme 2023. Collection method: clinical testing. Allele origin: germline.
Comment: The c.5378delA pathogenic mutation, located in coding exon 35 of the ATM gene, results from a deletion of one nucleotide at nucleotide position 5378, causing a translational frameshift with a predicted alternate stop codon (p.N1793Ifs*6). This variant is considered to be rare based on population cohorts in the Genome Aggregation Database (gnomAD). This alteration is expected to result in loss of function by premature protein truncation or nonsense-mediated mRNA decay. As such, this alteration is interpreted as a disease-causing mutation.